The following is an entry in ClinVar:

ClinVar aggregate classification (germline): Uncertain significance (1 of 4 stars; one submission).

Conditions:
Familial meningioma. Also called: Meningioma, familial, susceptibility to. Identifiers: Orphanet 263662, MedGen C3551915, MONDO:0011789, OMIM 607174.

Submission:

Labcorp Genetics (formerly Invitae), Labcorp
Classification: Uncertain significance for Familial meningioma. Last evaluated: 2025-08-20. Review status: criteria provided, single submitter. Criteria: Invitae Variant Classification Sherloc (09022015). Collection method: clinical testing. Allele origin: germline.
Comment: This sequence change replaces glycine, which is neutral and non-polar, with glutamic acid, which is acidic and polar, at codon 381 of the SMARCE1 protein (p.Gly381Glu). This variant is not present in population databases (gnomAD no frequency). This variant has not been reported in the literature in individuals affected with SMARCE1-related conditions. ClinVar contains an entry for this variant (Variation ID: 2733193). Invitae Evidence Modeling of protein sequence and biophysical properties (such as structural, functional, and spatial information, amino acid conservation, physicochemical variation, residue mobility, and thermodynamic stability) indicates that this missense variant is not expected to disrupt SMARCE1 protein function with a negative predictive value of 80%. In summary, the available evidence is currently insufficient to determine the role of this variant in disease. Therefore, it has been classified as a Variant of Uncertain Significance.

NM_003079.5(SMARCE1):c.1142G>A (p.Gly381Glu)

Gene: SMARCE1 (SWI/SNF related BAF chromatin remodeling complex subunit E1; minus strand). Cytogenetic location: 17q21.2.
Variant type: single nucleotide variant.
Coding change: c.1142G>A on transcript NM_003079.5 (MANE Select); coding-DNA position 1142, G replaced by A.
Protein change: p.Gly381Glu; replaces glycine 381 with glutamic acid.
Molecular consequence: missense variant.
Genome position (GRCh38, 1-based): chr17:40,628,879, C>T on the plus strand (G>A on the coding strand, the complement: SMARCE1 is on the minus strand). VCF-style: chr17-40628879-C-T. GRCh37 (hg19) VCF-style: chr17-38785131-C-T.
Other names: short protein forms G381E.
Identifiers: ClinVar variation 2733193 (VCV002733193.3), dbSNP rs2143980495, ClinGen allele CA399361174.